The following is an entry in ClinVar:

NM_005120.3(MED12):c.722T>C (p.Met241Thr)

Gene: MED12 (mediator complex subunit 12; plus strand). Cytogenetic location: Xq13.1.
Variant type: single nucleotide variant.
Coding change: c.722T>C on transcript NM_005120.3 (MANE Select); coding-DNA position 722, T replaced by C.
Protein change: p.Met241Thr; replaces methionine 241 with threonine.
Molecular consequence: missense variant.
Genome position (GRCh38, 1-based): chrX:71,121,139, T>C. VCF-style: chrX-71121139-T-C. GRCh37 (hg19) VCF-style: chrX-70340989-T-C.
Other names: short protein forms M241T.
Identifiers: ClinVar variation 4705954 (VCV004705954.1).

ClinVar aggregate classification (germline): Uncertain significance (1 of 4 stars; one submission).

Conditions:
FG syndrome (FGS). Identifiers: MedGen C0220769, MONDO:0002010.

Submission:

Labcorp Genetics (formerly Invitae), Labcorp
Classification: Uncertain significance for FG syndrome. Last evaluated: 2025-02-18. Review status: criteria provided, single submitter. Criteria: Invitae Variant Classification Sherloc (09022015). Collection method: clinical testing. Allele origin: germline.
Comment: This sequence change replaces methionine, which is neutral and non-polar, with threonine, which is neutral and polar, at codon 241 of the MED12 protein (p.Met241Thr). This variant is not present in population databases (gnomAD no frequency). This variant has not been reported in the literature in individuals affected with MED12-related conditions. Invitae Evidence Modeling of protein sequence and biophysical properties (such as structural, functional, and spatial information, amino acid conservation, physicochemical variation, residue mobility, and thermodynamic stability) indicates that this missense variant is not expected to disrupt MED12 protein function with a negative predictive value of 95%. In summary, the available evidence is currently insufficient to determine the role of this variant in disease. Therefore, it has been classified as a Variant of Uncertain Significance.